The following is an entry in ClinVar:

ClinVar aggregate classification (germline): Uncertain significance (1 of 4 stars; one submission).

Conditions:
Wilson disease (WND). Also called: Wilson's disease. Identifiers: Orphanet 905, MedGen C0019202, MONDO:0010200, OMIM 277900. Disease mechanism: loss of function.

gnomAD v4.1: 4 of 152,234 alleles (0.0026%); highest among the groups gnomAD compares: Non-Finnish European, 0.0044%; no homozygotes.

Submission:

Color Diagnostics, LLC DBA Color Health
Classification: Uncertain significance for Wilson disease. Last evaluated: 2025-06-24. Review status: criteria provided, single submitter. Criteria: ACMG Guidelines, 2015. Collection method: clinical testing. Allele origin: germline.
Comment: This variant is located in the 5' untranslated region of the ATP7B gene. To our knowledge, RNA studies have not been reported for this variant. This variant has not been reported in individuals affected with ATP7B-related disorders in the literature. This variant has been identified in 1/31368 chromosomes in the general population by the Genome Aggregation Database (gnomAD). The available evidence is insufficient to determine the role of this variant in disease conclusively. Therefore, this variant is classified as a Variant of Uncertain Significance.

NC_000013.11:g.52011776T>A

Genes: ATP7B (ATPase copper transporting beta; minus strand), LOC130009838 (ATAC-STARR-seq lymphoblastoid silent region 5378; plus strand). Cytogenetic location: 13q14.3.
Variant type: single nucleotide variant.
Molecular consequence: 5 prime UTR variant (on NM_001406532.1). On other transcripts: intron variant (9).
Genome position: GRCh38 VCF-style: chr13-52011776-T-A. GRCh37 (hg19) VCF-style: chr13-52585912-T-A.
Other names: c.-358A>T (NM_001406532.1); c.-55+244A>T (NM_001406541.1, NM_001406531.1, NM_001406527.1 and 4 more transcripts); c.-184+244A>T (NM_001406543.1); c.-238-201A>T (NM_001406528.1); c.-174A>T (NM_001406512.1, NM_001406516.1, NM_001406522.1).
Identifiers: ClinVar variation 4758594 (VCV004758594.1).